The following is an entry in ClinVar:

ClinVar aggregate classification (germline): Pathogenic. Review status: criteria provided, multiple submitters, no conflicts (2 of 4 stars). 3 submissions from 3 submitters: Pathogenic (3). Last evaluated 2023-02-16.

Conditions:
Type 2 diabetes mellitus. Also called: Type II diabetes mellitus. Identifiers: MedGen C0011860, MeSH D003924, MONDO:0005148, OMIM 125853, HP:0005978.
Hyperinsulinemic hypoglycemia, familial, 1 (HHF1). Also called: HYPERINSULINISM, FAMILIAL, WITH PANCREATIC NESIDIOBLASTOSIS; HYPOGLYCEMIA, HYPERINSULINEMIC, OF INFANCY; NESIDIOBLASTOSIS OF PANCREAS; Persistent hyperinsulinemic hypoglycemia of infancy; Persistent Hyperinsulinemia Hypoglycemia of Infancy. Identifiers: Orphanet 276575, Orphanet 276598, MedGen C2931832, MONDO:0009734, OMIM 256450.

Submissions (3):

Baylor Genetics
Classification: Pathogenic for Type 2 diabetes mellitus. Last evaluated: 2023-02-16. Review status: criteria provided, single submitter. Criteria: ACMG Guidelines, 2015. Collection method: clinical testing. Allele origin: unknown.

Labcorp Genetics (formerly Invitae), Labcorp
Classification: Pathogenic. Last evaluated: 2022-12-30. Review status: criteria provided, single submitter. Criteria: Invitae Variant Classification Sherloc (09022015). Collection method: clinical testing. Allele origin: germline.
Comment: For these reasons, this variant has been classified as Pathogenic. ClinVar contains an entry for this variant (Variation ID: 1705703). This variant is also known as c.2803C>T, p.Gln935X. This premature translational stop signal has been observed in individual(s) with autosomal recessive congenital hyperinsulinism (PMID: 20685672, 26162674). This variant is not present in population databases (gnomAD no frequency). This sequence change creates a premature translational stop signal (p.Gln934*) in the ABCC8 gene. It is expected to result in an absent or disrupted protein product. Loss-of-function variants in ABCC8 are known to be pathogenic (PMID: 20685672, 23345197).

3billion
Classification: Pathogenic for Hyperinsulinemic hypoglycemia, familial, 1. Last evaluated: 2022-09-01. Review status: criteria provided, single submitter. Criteria: ACMG Guidelines, 2015. Collection method: clinical testing. Allele origin: germline. Affected: yes. Observed: 1 homozygote.
Comment: The variant is not observed in the gnomAD v2.1.1 dataset. Stop-gained (nonsense) is predicted to result in a loss or disruption of normal protein function through nonsense-mediated decay (NMD) or protein truncation. Multiple pathogenic variants are reported downstream of the variant. The variant has been reported to be associated with ABCC8-related disorder (PMID: 20685672). Therefore, this variant is classified as Pathogenic according to the recommendation of ACMG/AMP guideline.

Literature cited by the submitters: PubMed 20685672 (cited by Labcorp Genetics (formerly Invitae), Labcorp and 3billion); PubMed 26162674 (cited by Labcorp Genetics (formerly Invitae), Labcorp); PubMed 23345197 (cited by Labcorp Genetics (formerly Invitae), Labcorp).

NM_000352.6(ABCC8):c.2800C>T (p.Gln934Ter)

Gene: ABCC8 (ATP binding cassette subfamily C member 8; minus strand). Cytogenetic location: 11p15.1.
Variant type: single nucleotide variant.
Coding change: c.2800C>T on transcript NM_000352.6 (MANE Select); coding-DNA position 2800, C replaced by T.
Protein change: p.Gln934Ter; replaces glutamine 934 with a stop codon.
Molecular consequence: nonsense. On other transcripts: non-coding transcript variant (1).
Genome position (GRCh38, 1-based): chr11:17,408,412, G>A on the plus strand (C>T on the coding strand, the complement: ABCC8 is on the minus strand). VCF-style: chr11-17408412-G-A. GRCh37 (hg19) VCF-style: chr11-17429959-G-A.
Other names: c.2803C>T, p.Gln935Ter (NM_001287174.3); c.2866C>T, p.Gln956Ter (NM_001351295.2); c.2800C>T, p.Gln934Ter (NM_001351296.2); c.2797C>T, p.Gln933Ter (NM_001351297.2); short protein forms Q933*, Q934*, Q935*, Q956*.
Identifiers: ClinVar variation 1705703 (VCV001705703.5), dbSNP rs1265410646, ClinGen allele CA379804896.